The following is an entry in ClinVar:

NM_005629.4(SLC6A8):c.-5del

Gene: SLC6A8 (solute carrier family 6 member 8; plus strand). Cytogenetic location: Xq28.
Variant type: Deletion.
Coding change: c.-5del on transcript NM_005629.4 (MANE Select); 5 bases upstream of the start codon, one base deleted (A; older notation c.-5delA).
Molecular consequence: 5 prime UTR variant.
Genome position (GRCh38, 1-based): chrX:153,688,570, A deleted. VCF-style (leftmost placement, unchanged base first): chrX-153688569-GA-G. GRCh37 (hg19) VCF-style: chrX-152954024-GA-G.
Other names: c.-5del (NM_001142805.2).
Identifiers: ClinVar variation 516246 (VCV000516246.1), dbSNP rs1557043702, ClinGen allele CA645287844.

ClinVar aggregate classification (germline): Likely benign (1 of 4 stars; one submission).

Allele frequency attached by ClinVar (database versions not stated): gnomAD exomes below 0.00001.

Submission:

GeneDx
Classification: Likely benign. Last evaluated: 2017-12-28. Review status: criteria provided, single submitter. Criteria: GeneDx Variant Classification (06012015). Collection method: clinical testing. Allele origin: germline. Affected: yes.
Comment: This variant is considered likely benign or benign based on one or more of the following criteria: it is a conservative change, it occurs at a poorly conserved position in the protein, it is predicted to be benign by multiple in silico algorithms, and/or has population frequency not consistent with disease.